The following is an entry in ClinVar:

NM_015937.6(PIGT):c.1579A>C (p.Asn527His)

Gene: PIGT (phosphatidylinositol glycan anchor biosynthesis class T; plus strand). Cytogenetic location: 20q13.12.
Variant type: single nucleotide variant.
Coding change: c.1579A>C on transcript NM_015937.6 (MANE Select); coding-DNA position 1579, A replaced by C.
Protein change: p.Asn527His; replaces asparagine 527 with histidine.
Molecular consequence: missense variant. On other transcripts: non-coding transcript variant (5).
Genome position (GRCh38, 1-based): chr20:45,425,668, A>C. VCF-style: chr20-45425668-A-C. GRCh37 (hg19) VCF-style: chr20-44054308-A-C.
Other names: c.1411A>C, p.Asn471His (NM_001184728.3); c.1378A>C, p.Asn460His (NM_001184729.3); c.1273A>C, p.Asn425His (NM_001184730.3); short protein forms N425H, N471H, N527H, N460H.
Identifiers: ClinVar variation 1418942 (VCV001418942.3), dbSNP rs199800874, ClinGen allele CA9878325.

ClinVar aggregate classification (germline): Uncertain significance (1 of 4 stars; one submission).

Conditions:
Multiple congenital anomalies-hypotonia-seizures syndrome 3 (MCAHS3). Also called: GLYCOSYLPHOSPHATIDYLINOSITOL BIOSYNTHESIS DEFECT 7. Identifiers: Orphanet 369837, MedGen C3809356, MONDO:0014165, OMIM 615398.

Allele frequency attached by ClinVar (database versions not stated): gnomAD 0.00001 and 0.00004; TOPMed 0.00003; ExAC 0.00007; gnomAD exomes 0.00009; 1000 Genomes Project 30x 0.00031; 1000 Genomes Project 0.00040.
gnomAD v4.1: 69 of 1,614,086 alleles (0.0043%); highest among the groups gnomAD compares: East Asian, 0.15%; no homozygotes.

Submission:

Labcorp Genetics (formerly Invitae), Labcorp
Classification: Uncertain significance for Multiple congenital anomalies-hypotonia-seizures syndrome 3. Last evaluated: 2022-08-16. Review status: criteria provided, single submitter. Criteria: Invitae Variant Classification Sherloc (09022015). Collection method: clinical testing. Allele origin: germline.
Comment: This sequence change replaces asparagine, which is neutral and polar, with histidine, which is basic and polar, at codon 527 of the PIGT protein (p.Asn527His). This variant is present in population databases (rs199800874, gnomAD 0.1%). This variant has not been reported in the literature in individuals affected with PIGT-related conditions. ClinVar contains an entry for this variant (Variation ID: 1418942). Algorithms developed to predict the effect of missense changes on protein structure and function are either unavailable or do not agree on the potential impact of this missense change (SIFT: "Deleterious"; PolyPhen-2: "Probably Damaging"; Align-GVGD: "Class C0"). In summary, the available evidence is currently insufficient to determine the role of this variant in disease. Therefore, it has been classified as a Variant of Uncertain Significance.